The following is an entry in ClinVar:

NM_000321.3(RB1):c.2022A>C (p.Pro674=)

Gene: RB1 (RB transcriptional corepressor 1; plus strand). Cytogenetic location: 13q14.2.
Variant type: single nucleotide variant.
Coding change: c.2022A>C on transcript NM_000321.3 (MANE Select); coding-DNA position 2022, A replaced by C.
Protein change: p.Pro674=; no amino-acid change (proline 674 retained).
Molecular consequence: synonymous variant.
Genome position (GRCh38, 1-based): chr13:48,459,749, A>C. VCF-style: chr13-48459749-A-C. GRCh37 (hg19) VCF-style: chr13-49033885-A-C.
Other names: c.2022A>C, p.Pro674= (NM_001407165.1).
Identifiers: ClinVar variation 1784572 (VCV001784572.3), dbSNP rs746596154, ClinGen allele CA033780.

ClinVar aggregate classification (germline): Benign/Likely benign. Review status: criteria provided, multiple submitters, no conflicts (2 of 4 stars). 2 submissions from 2 submitters: Benign (1); Likely benign (1). Last evaluated 2026-06-25.

Conditions:
Hereditary cancer-predisposing syndrome. Also called: Neoplastic Syndromes, Hereditary; Tumor predisposition; Hereditary neoplastic syndrome; Hereditary Cancer Syndrome. Identifiers: Orphanet 140162, MedGen C0027672, MeSH D009386, MONDO:0015356.
Retinoblastoma (RB1). Also called: RETINOBLASTOMA, SOMATIC. Identifiers: Orphanet 790, MedGen C0035335, MeSH D012175, MONDO:0008380, OMIM 180200, HP:0009919. Disease mechanism: loss of function. Inheritance: Both sporadic and heritable forms are tested..

Allele frequency attached by ClinVar (database versions not stated): gnomAD exomes below 0.00001; ExAC 0.00001.
gnomAD v4.1: 3 of 1,614,014 alleles (0.00019%); highest among the groups gnomAD compares: South Asian, 0.0033%; no homozygotes.

Submissions (2):

Myriad Genetics, Inc.
Classification: Benign for Retinoblastoma. Last evaluated: 2026-06-25. Review status: criteria provided, single submitter. Criteria: Myriad Autosomal Dominant, Autosomal Recessive and X-Linked Classification Criteria (2023). Collection method: clinical testing. Allele origin: unknown.
Comment: This variant is considered benign. This variant is a silent/synonymous amino acid change and it is not expected to impact splicing.

Ambry Genetics
Classification: Likely benign for Hereditary cancer-predisposing syndrome. Last evaluated: 2020-12-09. Review status: criteria provided, single submitter. Criteria: Ambry Variant Classification Scheme 2023. Collection method: clinical testing. Allele origin: germline.